The following is an entry in ClinVar:

ClinVar aggregate classification (germline): Uncertain significance (1 of 4 stars; one submission).

Conditions:
Multiple endocrine neoplasia, type 1 (MEN1). Also called: MEN I; WERMER SYNDROME; Endocrine adenomatosis multiple; MEN 1; MEA I. Identifiers: Orphanet 652, MedGen C0025267, MeSH D018761, MONDO:0007540, OMIM 131100.

Submission:

Labcorp Genetics (formerly Invitae), Labcorp
Classification: Uncertain significance for Multiple endocrine neoplasia, type 1. Last evaluated: 2023-02-27. Review status: criteria provided, single submitter. Criteria: Invitae Variant Classification Sherloc (09022015). Collection method: clinical testing. Allele origin: germline.
Comment: In summary, the available evidence is currently insufficient to determine the role of this variant in disease. Therefore, it has been classified as a Variant of Uncertain Significance. Advanced modeling of protein sequence and biophysical properties (such as structural, functional, and spatial information, amino acid conservation, physicochemical variation, residue mobility, and thermodynamic stability) performed at Invitae indicates that this missense variant is expected to disrupt MEN1 protein function. This variant has not been reported in the literature in individuals affected with MEN1-related conditions. This variant is not present in population databases (gnomAD no frequency). This sequence change replaces isoleucine, which is neutral and non-polar, with valine, which is neutral and non-polar, at codon 457 of the MEN1 protein (p.Ile457Val).

NM_001370259.2(MEN1):c.1369A>G (p.Ile457Val)

Gene: MEN1 (menin 1; minus strand). Cytogenetic location: 11q13.1.
Variant type: single nucleotide variant.
Coding change: c.1369A>G on transcript NM_001370259.2 (MANE Select); coding-DNA position 1369, A replaced by G.
Protein change: p.Ile457Val; replaces isoleucine 457 with valine.
Molecular consequence: missense variant. On other transcripts: non-coding transcript variant (4).
Genome position (GRCh38, 1-based): chr11:64,804,798, T>C on the plus strand (A>G on the coding strand, the complement: MEN1 is on the minus strand). VCF-style: chr11-64804798-T-C. GRCh37 (hg19) VCF-style: chr11-64572270-T-C.
Other names: c.1369A>G, p.Ile457Val (NM_130799.3, NM_001370260.2, NM_001370261.2 and 2 more transcripts); c.1384A>G, p.Ile462Val (NM_130800.3, NM_130801.3, NM_130802.3 and 4 more transcripts); c.1204A>G, p.Ile402Val (NM_001407152.1); c.1495A>G, p.Ile499Val (NM_001370251.2, NM_001407142.1, NM_001407143.1 and 1 more transcripts); c.1264A>G, p.Ile422Val (NM_001370262.2, NM_001370263.2, NM_001407148.1 and 1 more transcripts); c.1510A>G, p.Ile504Val (NM_001407150.1); c.1390A>G, p.Ile464Val (NM_001407151.1); short protein forms I422V, I504V, I462V, I499V, I402V, I457V, I464V.
Identifiers: ClinVar variation 3007975 (VCV003007975.3), dbSNP rs1021589871, ClinGen allele CA223912118.